The following is an entry in ClinVar:

NM_145199.3(LIPT1):c.988A>C (p.Ser330Arg)

Genes: LIPT1 (lipoyltransferase 1; plus strand), MITD1 (microtubule interacting and trafficking domain containing 1; minus strand). Cytogenetic location: 2q11.2.
Variant type: single nucleotide variant.
Coding change: c.988A>C on transcript NM_145199.3 (MANE Select); coding-DNA position 988, A replaced by C.
Protein change: p.Ser330Arg; replaces serine 330 with arginine.
Molecular consequence: missense variant. On other transcripts: non-coding transcript variant (2).
Genome position (GRCh38, 1-based): chr2:99,162,945, A>C. VCF-style: chr2-99162945-A-C. GRCh37 (hg19) VCF-style: chr2-99779408-A-C.
Other names: c.988A>C, p.Ser330Arg (NM_001204830.2, NM_015929.4, NM_145197.3 and 1 more transcripts); short protein forms S330R.
Identifiers: ClinVar variation 3767768 (VCV003767768.1).

ClinVar aggregate classification (germline): Uncertain significance (1 of 4 stars; one submission).

gnomAD v4.1: 27 of 1,614,014 alleles (0.0017%); highest among the groups gnomAD compares: South Asian, 0.027%; no homozygotes.

Submission:

GeneDx
Classification: Uncertain significance. Last evaluated: 2024-09-04. Review status: criteria provided, single submitter. Criteria: GeneDx Variant Classification Process June 2021. Collection method: clinical testing. Allele origin: germline. Affected: yes.
Comment: In silico analysis indicates that this missense variant does not alter protein structure/function; Has not been previously published as pathogenic or benign to our knowledge